The following is an entry in ClinVar:

ClinVar aggregate classification (germline): Uncertain significance (1 of 4 stars; one submission).

Allele frequency attached by ClinVar (database versions not stated): gnomAD exomes below 0.00001; ExAC 0.00001.
gnomAD v4.1: 2 of 1,613,830 alleles (0.00012%); highest among the groups gnomAD compares: Non-Finnish European, 0.00017%; no homozygotes.

Submission:

Labcorp Genetics (formerly Invitae), Labcorp
Classification: Uncertain significance. Last evaluated: 2024-06-17. Review status: criteria provided, single submitter. Criteria: Invitae Variant Classification Sherloc (09022015). Collection method: clinical testing. Allele origin: germline.
Comment: This sequence change replaces phenylalanine, which is neutral and non-polar, with serine, which is neutral and polar, at codon 1034 of the AP3B2 protein (p.Phe1034Ser). This variant is present in population databases (rs776670297, gnomAD 0.0009%). This variant has not been reported in the literature in individuals affected with AP3B2-related conditions. ClinVar contains an entry for this variant (Variation ID: 2108878). An algorithm developed to predict the effect of missense changes on protein structure and function (PolyPhen-2) suggests that this variant is likely to be tolerated. In summary, the available evidence is currently insufficient to determine the role of this variant in disease. Therefore, it has been classified as a Variant of Uncertain Significance.

NM_001278512.2(AP3B2):c.3158T>C (p.Phe1053Ser)

Genes: AP3B2 (adaptor related protein complex 3 subunit beta 2; minus strand), CPEB1-AS1 (CPEB1 antisense RNA 1; plus strand). Cytogenetic location: 15q25.2.
Variant type: single nucleotide variant.
Coding change: c.3158T>C on transcript NM_001278512.2 (MANE Select); coding-DNA position 3158, T replaced by C.
Protein change: p.Phe1053Ser; replaces phenylalanine 1053 with serine.
Molecular consequence: missense variant.
Genome position (GRCh38, 1-based): chr15:82,659,708, A>G on the plus strand (T>C on the coding strand, the complement: AP3B2 is on the minus strand). VCF-style: chr15-82659708-A-G. GRCh37 (hg19) VCF-style: chr15-83328460-A-G.
Other names: c.3005T>C, p.Phe1002Ser (NM_001278511.2); c.290T>C, p.Phe97Ser (NM_001348441.2); c.3101T>C, p.Phe1034Ser (NM_004644.5); short protein forms F1053S, F97S, F1034S, F1002S.
Identifiers: ClinVar variation 2108878 (VCV002108878.4), dbSNP rs776670297, ClinGen allele CA7699672.
Genomic context (GRCh38, chr15:82,659,708, plus strand): 5'-GCTGGCCGGGCATCCAGGGTCAGCAGAACGAGGCTTCCACCAGTCAGTGTCCTCCCTGCA[A>G]ACCTGAGGTGGGAATAGAAGGGGTGAGGAAGAGCTGCTAAGGGTGACTGTGTTTGGAAGG-3'
Protein context (NP_001265441.1, residues 1043-1063): VPCGTSDEYR[Phe1053Ser]AGRTLTGGSL